The following is an entry in ClinVar:

NM_001370259.2(MEN1):c.267C>G (p.Leu89=)

Gene: MEN1 (menin 1; minus strand). Cytogenetic location: 11q13.1.
Variant type: single nucleotide variant.
Coding change: c.267C>G on transcript NM_001370259.2 (MANE Select); coding-DNA position 267, C replaced by G.
Protein change: p.Leu89=; no amino-acid change (leucine 89 retained).
Molecular consequence: synonymous variant.
Genome position (GRCh38, 1-based): chr11:64,809,843, G>C on the plus strand (C>G on the coding strand, the complement: MEN1 is on the minus strand). VCF-style: chr11-64809843-G-C. GRCh37 (hg19) VCF-style: chr11-64577315-G-C.
Other names: c.267C>G, p.Leu89= (NM_000244.4, NM_001370251.2, NM_001370260.2 and 9 more transcripts).
Identifiers: ClinVar variation 403800 (VCV000403800.23), dbSNP rs1060499972, ClinGen allele CA16613483.

ClinVar aggregate classification (germline): Conflicting classifications of pathogenicity. Review status: criteria provided, conflicting classifications (1 of 4 stars). 6 submissions from 6 submitters: Uncertain significance (1); Benign (1); Likely benign (4). Last evaluated 2026-01-07.

Conditions:
Multiple endocrine neoplasia, type 1 (MEN1). Also called: MEA I; MEN I; WERMER SYNDROME; Endocrine adenomatosis multiple; MEN 1. Identifiers: Orphanet 652, MedGen C0025267, MeSH D018761, MONDO:0007540, OMIM 131100.
Hereditary cancer-predisposing syndrome. Also called: Neoplastic Syndromes, Hereditary; Hereditary neoplastic syndrome; Tumor predisposition; Hereditary Cancer Syndrome. Identifiers: Orphanet 140162, MedGen C0027672, MeSH D009386, MONDO:0015356.

Allele frequency attached by ClinVar (database versions not stated): gnomAD exomes below 0.00001; TOPMed 0.00004.
gnomAD v4.1: 5 of 1,613,080 alleles (0.00031%); highest among the groups gnomAD compares: African/African-American, 0.0027%; no homozygotes.

Submissions (6):

Labcorp Genetics (formerly Invitae), Labcorp
Classification: Likely benign for Multiple endocrine neoplasia, type 1. Last evaluated: 2026-01-07. Review status: criteria provided, single submitter. Criteria: Invitae Variant Classification Sherloc (09022015). Collection method: clinical testing. Allele origin: germline.

Color Diagnostics, LLC DBA Color Health
Classification: Likely benign for Multiple endocrine neoplasia, type 1. Last evaluated: 2025-08-25. Review status: criteria provided, single submitter. Criteria: ACMG Guidelines, 2015. Collection method: clinical testing. Allele origin: germline.

CeGaT Center for Human Genetics Tuebingen
Classification: Likely benign. Last evaluated: 2025-08-01. Review status: criteria provided, single submitter. Criteria: CeGaT Center For Human Genetics Tuebingen Variant Classification Criteria Version 2. Collection method: clinical testing. Allele origin: germline. Affected: yes. Observed: 1 variant allele.
Comment: MEN1: BP4, BP7

Myriad Genetics, Inc.
Classification: Benign for Multiple endocrine neoplasia, type 1. Last evaluated: 2024-10-31. Review status: criteria provided, single submitter. Criteria: Myriad Autosomal Dominant, Autosomal Recessive and X-Linked Classification Criteria (2023). Collection method: clinical testing. Allele origin: unknown.
Comment: This variant is considered benign. This variant is a silent/synonymous amino acid change and it is not expected to impact splicing.

All of Us Research Program, National Institutes of Health
Classification: Uncertain significance for Multiple endocrine neoplasia, type 1. Last evaluated: 2023-05-04. Review status: criteria provided, single submitter. Criteria: ACMG Guidelines, 2015. Collection method: clinical testing. Allele origin: germline. Inheritance: Autosomal dominant inheritance. Observed: 1 variant allele, 1 heterozygote.
Comment: This variant is located in the MEN1 protein. To our knowledge, functional studies have not been reported for this variant. This variant has not been reported in individuals affected with MEN1-related disorders in the literature. This variant has been identified in 1/247274 chromosomes in the general population by the Genome Aggregation Database (gnomAD). The available evidence is insufficient to determine the role of this variant in disease conclusively. Therefore, this variant is classified as a Variant of Uncertain Significance.

This study involves interpretation of variants in research participants for the purpose of population health screening. Participant phenotype was not available at the time of variant classification. Additional details can be found in publication PMID: 35346344, PMCID: PMC8962531

Ambry Genetics
Classification: Likely benign for Hereditary cancer-predisposing syndrome. Last evaluated: 2021-03-06. Review status: criteria provided, single submitter. Criteria: Ambry Variant Classification Scheme 2023. Collection method: clinical testing. Allele origin: germline.